The following is an entry in ClinVar:

NM_015175.3(NBEAL2):c.5998C>T (p.Leu2000Phe)

Gene: NBEAL2 (neurobeachin like 2; plus strand). Cytogenetic location: 3p21.31.
Variant type: single nucleotide variant.
Coding change: c.5998C>T on transcript NM_015175.3 (MANE Select); coding-DNA position 5998, C replaced by T.
Protein change: p.Leu2000Phe; replaces leucine 2000 with phenylalanine.
Molecular consequence: missense variant.
Genome position (GRCh38, 1-based): chr3:47,004,193, C>T. VCF-style: chr3-47004193-C-T. GRCh37 (hg19) VCF-style: chr3-47045683-C-T.
Other names: p.Leu2000Phe; c.5896C>T, p.Leu1966Phe (NM_001365116.2); short protein forms L1966F, L2000F.
Identifiers: ClinVar variation 3379458 (VCV003379458.1).

ClinVar aggregate classification (germline): Uncertain significance (1 of 4 stars; one submission).

Submission:

Mayo Clinic Laboratories, Mayo Clinic
Classification: Uncertain significance. Last evaluated: 2023-10-10. Review status: criteria provided, single submitter. Criteria: ACMG Guidelines, 2015. Collection method: clinical testing. Allele origin: germline. Observed: 2 variant alleles.
Comment: BP4, PM1_supporting, PM2_moderate